The following is an entry in ClinVar:

NM_000093.5(COL5A1):c.787-99G>A

Gene: COL5A1 (collagen type V alpha 1 chain; plus strand). Cytogenetic location: 9q34.3.
Variant type: single nucleotide variant.
Coding change: c.787-99G>A on transcript NM_000093.5 (MANE Select); 99 bases into the intron before coding-DNA position 787, G replaced by A.
Molecular consequence: intron variant.
Genome position (GRCh38, 1-based): chr9:134,728,571, G>A. VCF-style: chr9-134728571-G-A. GRCh37 (hg19) VCF-style: chr9-137620417-G-A.
Other names: c.787-99G>A (NM_001278074.1).
Identifiers: ClinVar variation 674675 (VCV000674675.2), dbSNP rs41310209, ClinGen allele CA13040887.

ClinVar aggregate classification (germline): Likely benign. Review status: criteria provided, multiple submitters, no conflicts (2 of 4 stars). 2 submissions from 2 submitters: Likely benign (2). Last evaluated 2018-06-14.

Allele frequency attached by ClinVar (database versions not stated): 1000 Genomes Project 30x 0.01858; 1000 Genomes Project 0.01917; TOPMed 0.02838; gnomAD 0.02950 and 0.02988.
gnomAD v4.1: 55,811 of 1,556,674 alleles (3.6%); highest among the groups gnomAD compares: Non-Finnish European, 4%; 1,076 homozygotes.

Submissions (2):

GeneDx
Classification: Likely benign. Last evaluated: 2018-06-14. Review status: criteria provided, single submitter. Criteria: GeneDx Variant Classification (06012015). Collection method: clinical testing. Allele origin: germline. Affected: yes.
Comment: This variant is considered likely benign or benign based on one or more of the following criteria: it is a conservative change, it occurs at a poorly conserved position in the protein, it is predicted to be benign by multiple in silico algorithms, and/or has population frequency not consistent with disease.

Breakthrough Genomics
Classification: Likely benign. Review status: criteria provided, single submitter. Criteria: ACMG Guidelines, 2015. Collection method: not provided. Allele origin: germline. Inheritance: Autosomal dominant inheritance. Affected: yes.